The following is an entry in ClinVar:

ClinVar aggregate classification (germline): Uncertain significance (1 of 4 stars; one submission).

gnomAD v4.1: 5 of 1,613,914 alleles (0.00031%); highest among the groups gnomAD compares: East Asian, 0.0045%; no homozygotes.

Submissions (2):

GeneDx
Classification: Uncertain significance. Last evaluated: 2024-05-29. Review status: criteria provided, single submitter. Criteria: GeneDx Variant Classification Process June 2021. Collection method: clinical testing. Allele origin: germline. Affected: yes.
Comment: Not observed at significant frequency in large population cohorts (gnomAD); In silico analysis indicates that this missense variant does not alter protein structure/function; Has not been previously published as pathogenic or benign to our knowledge

Dr. Peter K. Rogan Lab, Western University
No classification provided (evidence only). Condition: Pancreatic adenocarcinoma. Review status: no classification provided. Collection method: in vitro. Allele origin: not applicable. Functional consequence: retained intron. Not counted in ClinVar's aggregate classification.

NM_053025.4(MYLK):c.3536C>T (p.Ala1179Val)

Gene: MYLK (myosin light chain kinase; minus strand). Cytogenetic location: 3q21.1.
Variant type: single nucleotide variant.
Coding change: c.3536C>T on transcript NM_053025.4 (MANE Select); coding-DNA position 3536, C replaced by T.
Protein change: p.Ala1179Val; replaces alanine 1179 with valine.
Molecular consequence: missense variant.
Genome position (GRCh38, 1-based): chr3:123,692,764, G>A on the plus strand (C>T on the coding strand, the complement: MYLK is on the minus strand). VCF-style: chr3-123692764-G-A. GRCh37 (hg19) VCF-style: chr3-123411611-G-A.
Other names: NC_000003.11:g.123411611G>A; c.3008C>T, p.Ala1003Val (NM_001321309.2); c.3329C>T, p.Ala1110Val (NM_053026.4, NM_053028.4); c.3536C>T, p.Ala1179Val (NM_053027.4); short protein forms A1003V, A1110V, A1179V.
Identifiers: ClinVar variation 3383748 (VCV003383748.2).